The following is an entry in ClinVar:

ClinVar aggregate classification (germline): Benign. Review status: criteria provided, multiple submitters, no conflicts (2 of 4 stars). 3 submissions from 2 submitters: Benign (3). Last evaluated 2021-05-13.

Conditions:
Autosomal recessive nonsyndromic hearing loss 37. Identifiers: Orphanet 90636, MedGen C1843028, MONDO:0011912, OMIM 607821.
Autosomal dominant nonsyndromic hearing loss 22. Also called: Autosomal dominant nonsyndromic deafness 22; DFNA 22. Identifiers: Orphanet 228012, MedGen C2931767, MONDO:0011660, OMIM 606346.

Allele frequency attached by ClinVar (database versions not stated): TOPMed 0.17771; 1000 Genomes Project 30x 0.19582; 1000 Genomes Project 0.20148.
gnomAD v4.1: 26,783 of 152,016 alleles (18%); highest among the groups gnomAD compares: East Asian, 27%; 2,412 homozygotes.

Submissions (3):

GeneDx
Classification: Benign. Last evaluated: 2021-05-13. Review status: criteria provided, single submitter. Criteria: GeneDx Variant Classification Process June 2021. Collection method: clinical testing. Allele origin: germline. Affected: yes.

Illumina Laboratory Services, Illumina
Classification: Benign for Autosomal dominant nonsyndromic hearing loss 22. Last evaluated: 2018-01-13. Review status: criteria provided, single submitter. Criteria: ICSL Variant Classification Criteria 13 December 2019. Collection method: clinical testing. Allele origin: germline.
Comment: This variant was observed in the ICSL laboratory as part of a predisposition screen in an ostensibly healthy population. It had not been previously curated by ICSL or reported in the Human Gene Mutation Database (HGMD: prior to June 1st, 2018), and was therefore a candidate for classification through an automated scoring system. Utilizing variant allele frequency, disease prevalence and penetrance estimates, and inheritance mode, an automated score was calculated to assess if this variant is too frequent to cause the disease. Based on the score and internal cut-off values, a variant classified as benign is not then subjected to further curation. The score for this variant resulted in a classification of benign for this disease.

Illumina Laboratory Services, Illumina
Classification: Benign for Autosomal recessive nonsyndromic hearing loss 37. Last evaluated: 2018-01-13. Review status: criteria provided, single submitter. Criteria: ICSL Variant Classification Criteria 13 December 2019. Collection method: clinical testing. Allele origin: germline.
Comment: the same text as in the submission from Illumina Laboratory Services, Illumina above.

NM_004999.4(MYO6):c.*4283A>G

Gene: MYO6 (myosin VI; plus strand). Cytogenetic location: 6q14.1.
Variant type: single nucleotide variant.
Coding change: c.*4283A>G on transcript NM_004999.4 (MANE Select); 4283 bases downstream of the stop codon, A replaced by G.
Molecular consequence: 3 prime UTR variant. On other transcripts: non-coding transcript variant (1).
Genome position (GRCh38, 1-based): chr6:75,919,295, A>G. VCF-style: chr6-75919295-A-G. GRCh37 (hg19) VCF-style: chr6-76629012-A-G.
Other names: c.*4283A>G (NM_001300899.2, NM_001368136.1, NM_001368137.1 and 3 more transcripts).
Identifiers: ClinVar variation 358057 (VCV000358057.6), dbSNP rs7746476, ClinGen allele CA10627668.